The following is an entry in ClinVar:

NM_007126.5(VCP):c.810T>C (p.Asn270=)

Gene: VCP (valosin containing protein; minus strand). Cytogenetic location: 9p13.3.
Variant type: single nucleotide variant.
Coding change: c.810T>C on transcript NM_007126.5 (MANE Select); coding-DNA position 810, T replaced by C.
Protein change: p.Asn270=; no amino-acid change (asparagine 270 retained).
Molecular consequence: synonymous variant.
Genome position (GRCh38, 1-based): chr9:35,062,979, A>G on the plus strand (T>C on the coding strand, the complement: VCP is on the minus strand). VCF-style: chr9-35062979-A-G. GRCh37 (hg19) VCF-style: chr9-35062976-A-G.
Other names: c.675T>C, p.Asn225= (NM_001354927.2, NM_001354928.2).
Identifiers: ClinVar variation 1502791 (VCV001502791.6), dbSNP rs1372175418, ClinGen allele CA464407100.

ClinVar aggregate classification (germline): Uncertain significance (1 of 4 stars; one submission).

Conditions:
Inclusion body myopathy with Paget disease of bone and frontotemporal dementia. Also called: Inclusion body myopathy with early-onset Paget disease and frontotemporal dementia. Identifiers: Orphanet 52430, MedGen C1833662, MONDO:0000507.
Frontotemporal dementia and/or amyotrophic lateral sclerosis 6 (FTDALS6). Also called: VCP-Related Amyotrophic Lateral Sclerosis/Frontotemporal Dementia; VCP-Related Amyotrophic Lateral Sclerosis. Identifiers: Orphanet 275872, Orphanet 803, MedGen C5436279, MONDO:0013501, OMIM 613954.

Allele frequency attached by ClinVar (database versions not stated): TOPMed below 0.00001; gnomAD exomes 0.00001.
gnomAD v4.1: 9 of 1,614,034 alleles (0.00056%); highest among the groups gnomAD compares: Non-Finnish European, 0.00076%; no homozygotes.

Submission:

Labcorp Genetics (formerly Invitae), Labcorp
Classification: Uncertain significance for Inclusion body myopathy with Paget disease of bone and frontotemporal dementia; Frontotemporal dementia and/or amyotrophic lateral sclerosis 6. Last evaluated: 2025-10-21. Review status: criteria provided, single submitter. Criteria: Invitae Variant Classification Sherloc (09022015). Collection method: clinical testing. Allele origin: germline.
Comment: This sequence change affects codon 270 of the VCP mRNA. It is a 'silent' change, meaning that it does not change the encoded amino acid sequence of the VCP protein. It affects a nucleotide within the consensus splice site. This variant is not present in population databases (gnomAD no frequency). This variant has not been reported in the literature in individuals affected with VCP-related conditions. ClinVar contains an entry for this variant (Variation ID: 1502791). Algorithms developed to predict the effect of sequence changes on RNA splicing suggest that this variant is not likely to affect RNA splicing. In summary, the available evidence is currently insufficient to determine the role of this variant in disease. Therefore, it has been classified as a Variant of Uncertain Significance.